The following is an entry in ClinVar:

ClinVar aggregate classification (germline): Uncertain significance (1 of 4 stars; one submission).

Submission:

Labcorp Genetics (formerly Invitae), Labcorp
Classification: Uncertain significance. Last evaluated: 2024-08-14. Review status: criteria provided, single submitter. Criteria: Invitae Variant Classification Sherloc (09022015). Collection method: clinical testing. Allele origin: germline.
Comment: This sequence change replaces leucine, which is neutral and non-polar, with valine, which is neutral and non-polar, at codon 754 of the CACNA1G protein (p.Leu754Val). This variant is not present in population databases (gnomAD no frequency). This variant has not been reported in the literature in individuals affected with CACNA1G-related conditions. Invitae Evidence Modeling of protein sequence and biophysical properties (such as structural, functional, and spatial information, amino acid conservation, physicochemical variation, residue mobility, and thermodynamic stability) has been performed for this missense variant. However, the output from this modeling did not meet the statistical confidence thresholds required to predict the impact of this variant on CACNA1G protein function. In summary, the available evidence is currently insufficient to determine the role of this variant in disease. Therefore, it has been classified as a Variant of Uncertain Significance.

NM_018896.5(CACNA1G):c.2260C>G (p.Leu754Val)

Gene: CACNA1G (calcium voltage-gated channel subunit alpha1 G; plus strand). Cytogenetic location: 17q21.33.
Variant type: single nucleotide variant.
Coding change: c.2260C>G on transcript NM_018896.5 (MANE Select); coding-DNA position 2260, C replaced by G.
Protein change: p.Leu754Val; replaces leucine 754 with valine.
Molecular consequence: missense variant. On other transcripts: non-coding transcript variant (5).
Genome position (GRCh38, 1-based): chr17:50,578,523, C>G. VCF-style: chr17-50578523-C-G. GRCh37 (hg19) VCF-style: chr17-48655884-C-G.
Other names: c.2260C>G, p.Leu754Val (NM_001256324.2, NM_001256325.2, NM_001256326.2 and 24 more transcripts); short protein forms L754V.
Identifiers: ClinVar variation 3634741 (VCV003634741.2).